The following is an entry in ClinVar:

NM_007294.4(BRCA1):c.5446A>T (p.Thr1816Ser)

Gene: BRCA1 (BRCA1 DNA repair associated; minus strand). Cytogenetic location: 17q21.31.
Variant type: single nucleotide variant.
Coding change: c.5446A>T on transcript NM_007294.4 (MANE Select); coding-DNA position 5446, A replaced by T.
Protein change: p.Thr1816Ser; replaces threonine 1816 with serine.
Molecular consequence: missense variant. On other transcripts: non-coding transcript variant (1).
Genome position (GRCh38, 1-based): chr17:43,047,664, T>A on the plus strand (A>T on the coding strand, the complement: BRCA1 is on the minus strand). VCF-style: chr17-43047664-T-A. GRCh37 (hg19) VCF-style: chr17-41199681-T-A.
Other names: c.5233A>T, p.Thr1745Ser (NM_001407571.1, NM_001407906.1, NM_001407907.1 and 12 more transcripts); c.5512A>T, p.Thr1838Ser (NM_001407581.1, NM_001407582.1); c.5509A>T, p.Thr1837Ser (NM_001407583.1, NM_001407585.1, NM_001407587.1 and 1 more transcripts); c.5506A>T, p.Thr1836Ser (NM_001407590.1, NM_001407591.1); c.5446A>T, p.Thr1816Ser (NM_001407593.1, NM_001407594.1, NM_001407596.1 and 5 more transcripts); c.5443A>T, p.Thr1815Ser (NM_001407613.1, NM_001407614.1, NM_001407615.1 and 14 more transcripts); c.5440A>T, p.Thr1814Ser (NM_001407632.1, NM_001407633.1, NM_001407634.1 and 13 more transcripts); c.5368A>T, p.Thr1790Ser (NM_001407654.1, NM_001407655.1, NM_001407652.1 and 1 more transcripts); and 83 more; short protein forms T1769S, T712S, T1816S, D687V, T1837S, D1789V, D1791V, T1647S.
Identifiers: ClinVar variation 868903 (VCV000868903.3), dbSNP rs2050983010, ClinGen allele CA10590509.

Conditions:
Breast-ovarian cancer, familial, susceptibility to, 1 (BROVCA1). Also called: BRCA1 Hereditary Breast and Ovarian Cancer; OVARIAN CANCER, SUSCEPTIBILITY TO. Identifiers: Orphanet 145, MedGen C2676676, MONDO:0011450, OMIM 604370. Disease mechanism: loss of function.

Submission:

Brotman Baty Institute, University of Washington
No classification provided (evidence only). Condition: Breast-ovarian cancer, familial 1. Review status: no classification provided. Collection method: in vitro. Allele origin: not applicable. Functional consequence: functionally_normal.
ClinVar note: "not provided" was previously submitted as the classification for the variant. However, the classification appeared to be based only on an observation of functional data so it was converted to no classification on 2025-07-30.